The following is an entry in ClinVar:

ClinVar aggregate classification (germline): Benign/Likely benign. Review status: criteria provided, multiple submitters, no conflicts (2 of 4 stars). 7 submissions from 7 submitters: Benign (2); Likely benign (5). Last evaluated 2025-12-09.

Conditions:
Hereditary cancer-predisposing syndrome. Also called: Tumor predisposition; Hereditary Cancer Syndrome; Hereditary neoplastic syndrome; Neoplastic Syndromes, Hereditary. Identifiers: Orphanet 140162, MedGen C0027672, MeSH D009386, MONDO:0015356.
Tuberous sclerosis syndrome (TSC). Also called: Tuberous Sclerosis Complex; Tuberous sclerosis. Identifiers: Orphanet 805, MedGen C0041341, MONDO:0001734.
Tuberous sclerosis 2 (TSC2). Identifiers: Orphanet 805, MedGen C1860707, MONDO:0013199, OMIM 613254.

Allele frequency attached by ClinVar (database versions not stated): ExAC 0.00001; gnomAD exomes 0.00001; gnomAD 0.00002; TOPMed 0.00002.
gnomAD v4.1: 11 of 1,613,870 alleles (0.00068%); highest among the groups gnomAD compares: East Asian, 0.0067%; no homozygotes.

Submissions (7):

Labcorp Genetics (formerly Invitae), Labcorp
Classification: Likely benign for Tuberous sclerosis 2. Last evaluated: 2025-12-09. Review status: criteria provided, single submitter. Criteria: Invitae Variant Classification Sherloc (09022015). Collection method: clinical testing. Allele origin: germline.

Myriad Genetics, Inc.
Classification: Benign for Tuberous sclerosis 2. Last evaluated: 2025-05-13. Review status: criteria provided, single submitter. Criteria: Myriad Autosomal Dominant, Autosomal Recessive and X-Linked Classification Criteria (2023). Collection method: clinical testing. Allele origin: unknown.
Comment: This variant is considered benign. This variant is a silent/synonymous amino acid change and it is not expected to impact splicing.

All of Us Research Program, National Institutes of Health
Classification: Likely benign for Tuberous sclerosis syndrome. Last evaluated: 2024-07-20. Review status: criteria provided, single submitter. Criteria: ACMG Guidelines, 2015. Collection method: clinical testing. Allele origin: germline. Inheritance: Autosomal dominant inheritance. Observed: 3 variant alleles, 3 heterozygotes.
Comment: This study involves interpretation of variants in research participants for the purpose of population health screening. Participant phenotype was not available at the time of variant classification. Additional details can be found in publication PMID: 35346344, PMCID: PMC8962531

Genome-Nilou Lab
Classification: Benign for Tuberous sclerosis 2. Last evaluated: 2021-11-07. Review status: criteria provided, single submitter. Criteria: ACMG Guidelines, 2015. Collection method: clinical testing. Allele origin: germline. Affected: no.

Sema4
Classification: Likely benign for Hereditary cancer-predisposing syndrome. Last evaluated: 2021-07-19. Review status: criteria provided, single submitter. Criteria: Sema4 Curation Guidelines. Collection method: curation. Allele origin: germline.

Ambry Genetics
Classification: Likely benign for Hereditary cancer-predisposing syndrome. Last evaluated: 2020-07-17. Review status: criteria provided, single submitter. Criteria: Ambry Variant Classification Scheme 2023. Collection method: clinical testing. Allele origin: germline.

GeneDx
Classification: Likely benign. Last evaluated: 2017-03-02. Review status: criteria provided, single submitter. Criteria: GeneDx Variant Classification (06012015). Collection method: clinical testing. Allele origin: germline. Affected: yes.
Comment: This variant is considered likely benign or benign based on one or more of the following criteria: it is a conservative change, it occurs at a poorly conserved position in the protein, it is predicted to be benign by multiple in silico algorithms, and/or has population frequency not consistent with disease.

NM_000548.5(TSC2):c.1071G>A (p.Ala357=)

Gene: TSC2 (TSC complex subunit 2; plus strand). Cytogenetic location: 16p13.3.
Variant type: single nucleotide variant.
Coding change: c.1071G>A on transcript NM_000548.5 (MANE Select); coding-DNA position 1071, G replaced by A.
Protein change: p.Ala357=; no amino-acid change (alanine 357 retained).
Molecular consequence: synonymous variant.
Genome position (GRCh38, 1-based): chr16:2,060,765, G>A. VCF-style: chr16-2060765-G-A. GRCh37 (hg19) VCF-style: chr16-2110766-G-A.
Other names: c.1071G>A, p.Ala357= (NM_001077183.3, NM_001114382.3, NM_001363528.2 and 3 more transcripts); c.960G>A, p.Ala320= (NM_001318827.2); c.924G>A, p.Ala308= (NM_001318829.2); c.471G>A, p.Ala157= (NM_001318831.2); c.1104G>A, p.Ala368= (NM_001318832.2).
Identifiers: ClinVar variation 237958 (VCV000237958.20), dbSNP rs776395163, ClinGen allele CA028111.
Genomic context (GRCh38, chr16:2,060,765, plus strand): 5'-GATCGTCCTGTCCATCACCAGGCTCATCAAGAAGTATAGGAAGGAGCTCCAGGTGGTGGC[G>A]TGGGACATTCTGCTGAACATCATCGAACGGCTCCTTCAGCAGCTCCAGGTGGGGTGGGGG-3'
Protein context (NP_000539.2, residues 347-367): KKYRKELQVV[Ala357=]WDILLNIIER